The following is an entry in ClinVar:

ClinVar aggregate classification (germline): Conflicting classifications of pathogenicity. Review status: criteria provided, conflicting classifications (1 of 4 stars). 7 submissions from 7 submitters: Uncertain significance (5); Likely benign (1). 1 of the submissions does not count toward it. Last evaluated 2026-06-02.

Conditions:
Hereditary cancer-predisposing syndrome. Also called: Tumor predisposition; Hereditary Cancer Syndrome; Neoplastic Syndromes, Hereditary; Hereditary neoplastic syndrome. Identifiers: Orphanet 140162, MedGen C0027672, MeSH D009386, MONDO:0015356.
Mastocytosis. Also called: Mast Cell Disease. Identifiers: Orphanet 98292, MedGen C0024899, MONDO:0007950, HP:0100495.
Malignant tumor of testis. Also called: Testicular cancer. Identifiers: MedGen C0153594, MONDO:0005447.
Acute myeloid leukemia (AML). Also called: Acute myeloid leukemia, adult; AML adult; Acute non-lymphocytic leukemia; Acute granulocytic leukemia; Leukemia, acute myelogenous, somatic; Leukemia, acute myeloid, somatic. Identifiers: Orphanet 519, MedGen C0023467, MeSH D015470, MONDO:0018874, OMIM 601626, HP:0004808. Disease mechanism: Constitutively activated FLT3.
Gastrointestinal stromal tumor. Also called: Gastrointestinal stroma tumor; Gastrointestinal stromal tumor, somatic. Identifiers: Orphanet 44890, MedGen C0238198, MeSH D046152, MONDO:0011719, OMIM 606764, HP:0100723.
Piebaldism. Also called: Piebald skin depigmentation. Identifiers: Orphanet 2884, MedGen C0080024, MONDO:0008244, OMIM 172800, HP:0007544.
Regorafenib response. Identifiers: MedGen CN518174.

Allele frequency attached by ClinVar (database versions not stated): ExAC 0.00001; TOPMed 0.00001; gnomAD 0.00003.
gnomAD v4.1: 19 of 1,613,918 alleles (0.0012%); highest among the groups gnomAD compares: Non-Finnish European, 0.0014%; no homozygotes.

Submissions (7):

Myriad Genetics, Inc.
Classification: Likely benign for Gastrointestinal stromal tumor. Last evaluated: 2026-06-02. Review status: criteria provided, single submitter. Criteria: Myriad Autosomal Dominant, Autosomal Recessive and X-Linked Classification Criteria (2023). Collection method: clinical testing. Allele origin: unknown.
Comment: This variant is considered likely benign. This variant has been observed at a population frequency that is significantly greater than expected given the associated disease prevalence and penetrance.

Labcorp Genetics (formerly Invitae), Labcorp
Classification: Uncertain significance for Gastrointestinal stromal tumor. Last evaluated: 2025-10-31. Review status: criteria provided, single submitter. Criteria: Invitae Variant Classification Sherloc (09022015). Collection method: clinical testing. Allele origin: germline.
Comment: This sequence change replaces glycine, which is neutral and non-polar, with serine, which is neutral and polar, at codon 961 of the KIT protein (p.Gly961Ser). This variant is present in population databases (rs773828910, gnomAD 0.005%). This variant has not been reported in the literature in individuals affected with KIT-related conditions. ClinVar contains an entry for this variant (Variation ID: 237271). An algorithm developed to predict the effect of missense changes on protein structure and function (PolyPhen-2) suggests that this variant is likely to be disruptive. In summary, the available evidence is currently insufficient to determine the role of this variant in disease. Therefore, it has been classified as a Variant of Uncertain Significance.

Mayo Clinic Laboratories, Mayo Clinic
Classification: Uncertain significance. Last evaluated: 2025-02-07. Review status: criteria provided, single submitter. Criteria: ACMG Guidelines, 2015. Collection method: clinical testing. Allele origin: germline. Observed: 1 variant allele.

Ambry Genetics
Classification: Uncertain significance for Hereditary cancer-predisposing syndrome. Last evaluated: 2024-05-18. Review status: criteria provided, single submitter. Criteria: Ambry Variant Classification Scheme 2023. Collection method: clinical testing. Allele origin: germline.
Comment: The p.G961S variant (also known as c.2881G>A), located in coding exon 21 of the KIT gene, results from a G to A substitution at nucleotide position 2881. The glycine at codon 961 is replaced by serine, an amino acid with similar properties. This amino acid position is highly conserved in available vertebrate species. In addition, the in silico prediction for this alteration is inconclusive. Since supporting evidence is limited at this time, the clinical significance of this alteration remains unclear.

Baylor Genetics
Classification: Uncertain significance for Gastrointestinal stromal tumor. Last evaluated: 2024-03-21. Review status: criteria provided, single submitter. Criteria: ACMG Guidelines, 2015. Collection method: clinical testing. Allele origin: unknown.

Fulgent Genetics
Classification: Uncertain significance for Cutaneous mastocytosis; Piebaldism; Germ cell tumor of testis; Acute myeloid leukemia; Gastrointestinal stromal tumor. Last evaluated: 2018-10-31. Review status: criteria provided, single submitter. Criteria: ACMG Guidelines, 2015. Collection method: clinical testing. Allele origin: unknown.

Kopetz Lab, MD Anderson Cancer Center
Classification: drug response for Regorafenib response. Last evaluated: 2017-03-08. Review status: no assertion criteria provided. Collection method: clinical testing. Allele origin: somatic. Affected: yes. Not counted in ClinVar's aggregate classification.

NM_000222.3(KIT):c.2881G>A (p.Gly961Ser)

Gene: KIT (KIT proto-oncogene, receptor tyrosine kinase; plus strand). Cytogenetic location: 4q12.
Variant type: single nucleotide variant.
Coding change: c.2881G>A on transcript NM_000222.3 (MANE Select); coding-DNA position 2881, G replaced by A.
Protein change: p.Gly961Ser; replaces glycine 961 with serine.
Molecular consequence: missense variant.
Genome position (GRCh38, 1-based): chr4:54,738,507, G>A. VCF-style: chr4-54738507-G-A. GRCh37 (hg19) VCF-style: chr4-55604673-G-A.
Other names: p.Gly961Ser; c.2869G>A, p.Gly957Ser (NM_001093772.2, NM_001385292.1); c.2884G>A, p.Gly962Ser (NM_001385284.1); c.2878G>A, p.Gly960Ser (NM_001385285.1); c.2866G>A, p.Gly956Ser (NM_001385286.1); c.2872G>A, p.Gly958Ser (NM_001385288.1); c.2881G>A, p.Gly961Ser (NM_001385290.1); short protein forms G961S, G957S, G956S, G958S, G960S, G962S.
Identifiers: ClinVar variation 237271 (VCV000237271.16), dbSNP rs773828910, ClinGen allele CA2923888.